The following is an entry in ClinVar:

ClinVar aggregate classification (germline): Likely benign. Review status: criteria provided, single submitter (1 of 4 stars). 2 submissions from 2 submitters: Likely benign (1). 1 of the submissions does not count toward it. Last evaluated 2024-11-14.

Conditions:
CUX2-related disorder. Also called: CUX2-related condition.

gnomAD v4.1: 5 of 1,611,912 alleles (0.00031%); highest among the groups gnomAD compares: Non-Finnish European, 0.00017%; no homozygotes.

Submissions (2):

Blueprint Genetics
Classification: Likely benign. Last evaluated: 2024-11-14. Review status: criteria provided, single submitter. Criteria: ACMG Guidelines, 2015. Collection method: clinical testing. Allele origin: germline.

PreventionGenetics, part of Exact Sciences
Classification: Likely benign for CUX2-related condition. Last evaluated: 2019-07-10. Review status: no assertion criteria provided. Collection method: clinical testing. Allele origin: germline. Not counted in ClinVar's aggregate classification.
Comment: This variant is classified as likely benign based on ACMG/AMP sequence variant interpretation guidelines (Richards et al. 2015 PMID: 25741868, with internal and published modifications).

NM_015267.4(CUX2):c.3852C>T (p.Asn1284=)

Gene: CUX2 (cut like homeobox 2; plus strand). Cytogenetic location: 12q24.12.
Variant type: single nucleotide variant.
Coding change: c.3852C>T on transcript NM_015267.4 (MANE Select); coding-DNA position 3852, C replaced by T.
Protein change: p.Asn1284=; no amino-acid change (asparagine 1284 retained).
Molecular consequence: synonymous variant.
Genome position (GRCh38, 1-based): chr12:111,347,716, C>T. VCF-style: chr12-111347716-C-T. GRCh37 (hg19) VCF-style: chr12-111785520-C-T.
Other names: c.3666C>T, p.Asn1222= (NM_001370598.1).
Identifiers: ClinVar variation 3034141 (VCV003034141.3), dbSNP rs368882902, ClinGen allele CA6789235.
Genomic context (GRCh38, chr12:111,347,716, plus strand): 5'-GACTGAGGACCAGAAGCCAACCGTGAAGGAACTGGAGCTTCAGGAGGGCCCTGAGGAGAA[C>T]AGCACACCCCTGACCACCCAGGACAAGGCCCAAGTGAGGATCAAGCAGGAACAGATGGAG-3'
Protein context (NP_056082.2, residues 1274-1294): ELELQEGPEE[Asn1284=]STPLTTQDKA